The following is an entry in ClinVar:

ClinVar aggregate classification (germline): Likely benign (1 of 4 stars; one submission).

Allele frequency attached by ClinVar (database versions not stated): 1000 Genomes Project 30x 0.00593; 1000 Genomes Project 0.00659; TOPMed 0.01418; gnomAD 0.01860.
gnomAD v4.1: 2,588 of 152,186 alleles (1.7%); highest among the groups gnomAD compares: Non-Finnish European, 2.5%; 52 homozygotes.

Submission:

GeneDx
Classification: Likely benign. Last evaluated: 2018-06-14. Review status: criteria provided, single submitter. Criteria: GeneDx Variant Classification (06012015). Collection method: clinical testing. Allele origin: germline. Affected: yes.
Comment: This variant is considered likely benign or benign based on one or more of the following criteria: it is a conservative change, it occurs at a poorly conserved position in the protein, it is predicted to be benign by multiple in silico algorithms, and/or has population frequency not consistent with disease.

NM_004333.6(BRAF):c.1517+185G>A

Gene: BRAF (B-Raf proto-oncogene, serine/threonine kinase; minus strand). Cytogenetic location: 7q34.
Variant type: single nucleotide variant.
Coding change: c.1517+185G>A on transcript NM_004333.6 (MANE Select); 185 bases into the intron after coding-DNA position 1517, G replaced by A.
Molecular consequence: intron variant.
Genome position (GRCh38, 1-based): chr7:140,777,806, C>T on the plus strand (G>A on the coding strand, the complement: BRAF is on the minus strand). VCF-style: chr7-140777806-C-T. GRCh37 (hg19) VCF-style: chr7-140477606-C-T.
Other names: c.1517+185G>A (NM_001378474.1, NM_001378468.1, NM_001354609.2); c.1415+185G>A (NM_001378470.1); c.1253+185G>A (NM_001378475.1); c.1406+185G>A (NM_001378471.1); c.1637+185G>A (NM_001374258.1, NM_001374244.1); c.1526+185G>A (NM_001378467.1); c.1361+185G>A (NM_001378472.1, NM_001378473.1); c.1451+185G>A (NM_001378469.1).
Identifiers: ClinVar variation 561433 (VCV000561433.1), dbSNP rs117044637, ClinGen allele CA168086920.
Genomic context (GRCh38, chr7:140,777,806, plus strand): 5'-TTATCAGAATACTATACTTCCATTAATTCAGTCTAGGACTAAGTATTCTATCAGCCATAC[C>T]ATATAACATTGCATACTACTTAAAAGAATGTGGTTAAAGACAAAAATATACTCAGACATA-3'